The following is an entry in ClinVar:

NM_080680.3(COL11A2):c.2628+3G>A

Gene: COL11A2 (collagen type XI alpha 2 chain; minus strand). Cytogenetic location: 6p21.32.
Variant type: single nucleotide variant.
Coding change: c.2628+3G>A on transcript NM_080680.3 (MANE Select); 3 bases into the intron after coding-DNA position 2628, G replaced by A.
Molecular consequence: intron variant.
Genome position (GRCh38, 1-based): chr6:33,173,698, C>T on the plus strand (G>A on the coding strand, the complement: COL11A2 is on the minus strand). VCF-style: chr6-33173698-C-T. GRCh37 (hg19) VCF-style: chr6-33141475-C-T.
Other names: p.?; c.2307+3G>A (NM_080679.3); c.2370+3G>A (NM_080681.3).
Identifiers: ClinVar variation 46560 (VCV000046560.33), dbSNP rs970901, ClinGen allele CA138622.

ClinVar aggregate classification (germline): Benign. Review status: criteria provided, multiple submitters, no conflicts (2 of 4 stars). 19 submissions from 14 submitters: Benign (15). 4 of the submissions do not count toward it. Last evaluated 2026-05-08.

Conditions:
Fibrochondrogenesis 2 (FBCG2). Identifiers: Orphanet 2021, MedGen C3281128, MONDO:0013795, OMIM 614524.
Otospondylomegaepiphyseal dysplasia, autosomal dominant (OSMEDA). Also called: COL11A2-Related Stickler Syndrome; Stickler syndrome, type 3; Pierre Robin syndrome with fetal chondrodysplasia. Identifiers: Orphanet 166100, Orphanet 3450, MedGen C1848488, MONDO:0008490, OMIM 184840.
Autosomal recessive nonsyndromic hearing loss 53. Identifiers: Orphanet 90636, MedGen C1864746, MONDO:0012333, OMIM 609706.
Autosomal dominant nonsyndromic hearing loss 13. Identifiers: Orphanet 90635, MedGen C1866095, MONDO:0011159, OMIM 601868.
Otospondylomegaepiphyseal dysplasia, autosomal recessive (OSMEDB). Also called: CHONDRODYSTROPHY WITH SENSORINEURAL DEAFNESS; Insley-Astley syndrome. Identifiers: Orphanet 1427, MedGen CN034493, MONDO:0044206, OMIM 215150.

Allele frequency attached by ClinVar (database versions not stated): gnomAD exomes 0.56439 and 0.60405; ESP Exome Variant Server 0.56883; gnomAD 0.57903 and 0.58370; TOPMed 0.59542; ExAC 0.60065; 1000 Genomes Project 0.64317; 1000 Genomes Project 30x 0.64741.
gnomAD v4.1: 886,656 of 1,565,514 alleles (57%); highest among the groups gnomAD compares: East Asian, 83%; 254,710 homozygotes.

Submissions (21):

Women's Health and Genetics/Laboratory Corporation of America, LabCorp
Classification: Benign. Last evaluated: 2026-05-08. Review status: criteria provided, single submitter. Criteria: LabCorp Variant Classification Summary - May 2015. Collection method: clinical testing. Allele origin: germline.

Labcorp Genetics (formerly Invitae), Labcorp
Classification: Benign. Last evaluated: 2026-02-04. Review status: criteria provided, single submitter. Criteria: Invitae Variant Classification Sherloc (09022015). Collection method: clinical testing. Allele origin: germline.

Blueprint Genetics
Classification: Benign. Last evaluated: 2024-11-27. Review status: criteria provided, single submitter. Criteria: ACMG Guidelines, 2015. Collection method: clinical testing. Allele origin: germline.

Genome-Nilou Lab
Classification: Benign for Autosomal dominant nonsyndromic hearing loss 13. Last evaluated: 2021-07-22. Review status: criteria provided, single submitter. Criteria: ACMG Guidelines, 2015. Collection method: clinical testing. Allele origin: germline. Affected: no.

Genome-Nilou Lab
Classification: Benign for Autosomal recessive nonsyndromic hearing loss 53. Last evaluated: 2021-07-22. Review status: criteria provided, single submitter. Criteria: ACMG Guidelines, 2015. Collection method: clinical testing. Allele origin: germline. Affected: no.

Genome-Nilou Lab
Classification: Benign for Fibrochondrogenesis 2. Last evaluated: 2021-07-22. Review status: criteria provided, single submitter. Criteria: ACMG Guidelines, 2015. Collection method: clinical testing. Allele origin: germline. Affected: no.

Genome-Nilou Lab
Classification: Benign for Otospondylomegaepiphyseal dysplasia, autosomal dominant. Last evaluated: 2021-07-22. Review status: criteria provided, single submitter. Criteria: ACMG Guidelines, 2015. Collection method: clinical testing. Allele origin: germline. Affected: no.

Genome-Nilou Lab
Classification: Benign for Otospondylomegaepiphyseal dysplasia, autosomal recessive. Last evaluated: 2021-07-22. Review status: criteria provided, single submitter. Criteria: ACMG Guidelines, 2015. Collection method: clinical testing. Allele origin: germline. Affected: no.

Mayo Clinic Laboratories, Mayo Clinic
Classification: Benign. Last evaluated: 2020-01-27. Review status: criteria provided, single submitter. Criteria: ACMG Guidelines, 2015. Collection method: clinical testing. Allele origin: germline. Observed: 135 variant alleles.

Illumina Laboratory Services, Illumina
Classification: Benign for Fibrochondrogenesis 2. Last evaluated: 2018-01-13. Review status: criteria provided, single submitter. Criteria: ICSL Variant Classification Criteria 13 December 2019. Collection method: clinical testing. Allele origin: germline.
Comment: This variant was observed in the ICSL laboratory as part of a predisposition screen in an ostensibly healthy population. It had not been previously curated by ICSL or reported in the Human Gene Mutation Database (HGMD: prior to June 1st, 2018), and was therefore a candidate for classification through an automated scoring system. Utilizing variant allele frequency, disease prevalence and penetrance estimates, and inheritance mode, an automated score was calculated to assess if this variant is too frequent to cause the disease. Based on the score and internal cut-off values, a variant classified as benign is not then subjected to further curation. The score for this variant resulted in a classification of benign for this disease.

Illumina Laboratory Services, Illumina
Classification: Benign for Otospondylomegaepiphyseal dysplasia, autosomal recessive. Last evaluated: 2018-01-13. Review status: criteria provided, single submitter. Criteria: ICSL Variant Classification Criteria 13 December 2019. Collection method: clinical testing. Allele origin: germline.
Comment: the same text as in the submission from Illumina Laboratory Services, Illumina above.

GeneDx
Classification: Benign. Last evaluated: 2016-09-29. Review status: criteria provided, single submitter. Criteria: GeneDx Variant Classification (06012015). Collection method: clinical testing. Allele origin: germline. Affected: yes.
Comment: This variant is considered likely benign or benign based on one or more of the following criteria: it is a conservative change, it occurs at a poorly conserved position in the protein, it is predicted to be benign by multiple in silico algorithms, and/or has population frequency not consistent with disease.

Eurofins Ntd Llc (ga)
Classification: Benign. Last evaluated: 2016-05-31. Review status: criteria provided, single submitter. Criteria: EGL Classification Definitions 2015. Collection method: clinical testing. Allele origin: germline. Observed: 1 variant allele, 1 homozygote.

Laboratory for Molecular Medicine, Mass General Brigham Personalized Medicine
Classification: Benign. Last evaluated: 2012-05-07. Review status: criteria provided, single submitter. Criteria: LMM Criteria. Collection method: clinical testing. Allele origin: germline. Observed: 1,398 variant alleles.
Comment: 2628+3G>A in Intron 35 of COL11A2: This variant is not expected to have clinical significance because it has been identified in 44.8% (1993/4452) of European Am erican chromosomes from a broad population by the NHLBI Exome Sequencing Project (dbSNP rs970901).

PreventionGenetics, part of Exact Sciences
Classification: Benign. Review status: criteria provided, single submitter. Criteria: ACMG Guidelines, 2015. Collection method: clinical testing. Allele origin: germline.

Clinical Genetics DNA and cytogenetics Diagnostics Lab, Erasmus MC, Erasmus Medical Center
Classification: Benign. Review status: no assertion criteria provided. Collection method: clinical testing. Allele origin: germline. Affected: yes. Study: VKGL Data-share Consensus. Not counted in ClinVar's aggregate classification.

Diagnostic Laboratory, Department of Genetics, University Medical Center Groningen
Classification: Benign. Review status: no assertion criteria provided. Collection method: clinical testing. Allele origin: germline. Affected: yes. Study: VKGL Data-share Consensus. Not counted in ClinVar's aggregate classification.

Dr. Peter K. Rogan Lab, Western University
No classification provided (evidence only). Condition: Familial cancer of breast. Review status: no classification provided. Collection method: in vitro. Allele origin: not applicable. Functional consequence: retained intron. Not counted in ClinVar's aggregate classification.

Dr. Peter K. Rogan Lab, Western University
No classification provided (evidence only). Condition: Hepatocellular carcinoma. Review status: no classification provided. Collection method: in vitro. Allele origin: not applicable. Functional consequence: retained intron. Not counted in ClinVar's aggregate classification.

Genome Diagnostics Laboratory, Amsterdam University Medical Center
Classification: Benign. Review status: no assertion criteria provided. Collection method: clinical testing. Allele origin: germline. Affected: yes. Study: VKGL Data-share Consensus. Not counted in ClinVar's aggregate classification.

Joint Genome Diagnostic Labs from Nijmegen and Maastricht, Radboudumc and MUMC+
Classification: Benign. Review status: no assertion criteria provided. Collection method: clinical testing. Allele origin: germline. Affected: yes. Study: VKGL Data-share Consensus. Not counted in ClinVar's aggregate classification.